The following is an entry in ClinVar:

ClinVar aggregate classification (germline): Likely benign. Review status: criteria provided, multiple submitters, no conflicts (2 of 4 stars). 2 submissions from 2 submitters: Likely benign (2). Last evaluated 2025-12-27.

Conditions:
Duchenne muscular dystrophy (DMD). Also called: MUSCULAR DYSTROPHY, PSEUDOHYPERTROPHIC PROGRESSIVE, DUCHENNE TYPE; Duchenne Muscular Dystrophy (DMD). Identifiers: Orphanet 98896, MedGen C0013264, MONDO:0010679, OMIM 310200.

Allele frequency attached by ClinVar (database versions not stated): gnomAD 0.00002; TOPMed 0.00002; gnomAD exomes 0.00003.
gnomAD v4.1: 29 of 1,111,385 alleles (0.0026%); highest among the groups gnomAD compares: Non-Finnish European, 0.0036%; no homozygotes.

Submissions (2):

Labcorp Genetics (formerly Invitae), Labcorp
Classification: Likely benign for Duchenne muscular dystrophy. Last evaluated: 2025-12-27. Review status: criteria provided, single submitter. Criteria: Invitae Variant Classification Sherloc (09022015). Collection method: clinical testing. Allele origin: germline.

GeneDx
Classification: Likely benign. Last evaluated: 2017-11-07. Review status: criteria provided, single submitter. Criteria: GeneDx Variant Classification (06012015). Collection method: clinical testing. Allele origin: germline. Affected: yes.
Comment: This variant is considered likely benign or benign based on one or more of the following criteria: it is a conservative change, it occurs at a poorly conserved position in the protein, it is predicted to be benign by multiple in silico algorithms, and/or has population frequency not consistent with disease.

NM_004006.3(DMD):c.9975-6T>C

Gene: DMD (dystrophin; minus strand). Cytogenetic location: Xp21.2.
Variant type: single nucleotide variant.
Coding change: c.9975-6T>C on transcript NM_004006.3 (MANE Select); 6 bases into the intron before coding-DNA position 9975, T replaced by C.
Molecular consequence: intron variant.
Genome position (GRCh38, 1-based): chrX:31,180,487, A>G on the plus strand (T>C on the coding strand, the complement: DMD is on the minus strand). VCF-style: chrX-31180487-A-G. GRCh37 (hg19) VCF-style: chrX-31198604-A-G.
Other names: c.9951-6T>C (NM_000109.4); c.5952-6T>C (NM_004011.4); c.5943-6T>C (NM_004012.4); c.2595-6T>C (NM_004023.3, NM_004020.4, NM_004022.3 and 2 more transcripts); c.1788-6T>C (NM_004014.3); c.771-6T>C (NM_004018.3, NM_004017.3, NM_004016.3 and 2 more transcripts); c.9963-6T>C (NM_004009.3); c.9606-6T>C (NM_004010.3).
Identifiers: ClinVar variation 511243 (VCV000511243.10), dbSNP rs1459745620, ClinGen allele CA658799635.